The following is an entry in ClinVar:

NM_001013838.3(CARMIL2):c.4052C>T (p.Pro1351Leu)

Gene: CARMIL2 (capping protein regulator and myosin 1 linker 2; plus strand). Cytogenetic location: 16q22.1.
Variant type: single nucleotide variant.
Coding change: c.4052C>T on transcript NM_001013838.3 (MANE Select); coding-DNA position 4052, C replaced by T.
Protein change: p.Pro1351Leu; replaces proline 1351 with leucine.
Molecular consequence: missense variant. On other transcripts: intron variant (1).
Genome position (GRCh38, 1-based): chr16:67,656,816, C>T. VCF-style: chr16-67656816-C-T. GRCh37 (hg19) VCF-style: chr16-67690719-C-T.
Other names: c.3928+171C>T (NM_001317026.3); short protein forms P1351L.
Identifiers: ClinVar variation 1939637 (VCV001939637.4), dbSNP rs753144444, ClinGen allele CA8114248.

ClinVar aggregate classification (germline): Uncertain significance (1 of 4 stars; one submission).

Allele frequency attached by ClinVar (database versions not stated): gnomAD 0.00001; TOPMed 0.00001; gnomAD exomes 0.00002; ExAC 0.00005.

Submission:

Labcorp Genetics (formerly Invitae), Labcorp
Classification: Uncertain significance. Last evaluated: 2024-02-05. Review status: criteria provided, single submitter. Criteria: Invitae Variant Classification Sherloc (09022015). Collection method: clinical testing. Allele origin: germline.
Comment: This sequence change replaces proline, which is neutral and non-polar, with leucine, which is neutral and non-polar, at codon 1351 of the CARMIL2 protein (p.Pro1351Leu). This variant is present in population databases (rs753144444, gnomAD 0.01%). This variant has not been reported in the literature in individuals affected with CARMIL2-related conditions. ClinVar contains an entry for this variant (Variation ID: 1939637). An algorithm developed to predict the effect of missense changes on protein structure and function (PolyPhen-2) suggests that this variant is likely to be disruptive. In summary, the available evidence is currently insufficient to determine the role of this variant in disease. Therefore, it has been classified as a Variant of Uncertain Significance.